The following is an entry in ClinVar:

ClinVar aggregate classification (germline): Benign. Review status: criteria provided, multiple submitters, no conflicts (2 of 4 stars). 3 submissions from 3 submitters: Benign (2). 1 of the submissions does not count toward it. Last evaluated 2021-07-02.

Conditions:
CDC42BPB-related disorder.

Allele frequency attached by ClinVar (database versions not stated): ESP Exome Variant Server 0.08911; TOPMed 0.09679; gnomAD 0.09959 and 0.10144; gnomAD exomes 0.12439 and 0.12118; 1000 Genomes Project 0.12480; 1000 Genomes Project 30x 0.11961; ExAC 0.12243.
gnomAD v4.1: 192,301 of 1,613,056 alleles (12%); highest among the groups gnomAD compares: East Asian, 26%; 12,684 homozygotes.

Submissions (3):

GeneDx
Classification: Benign. Last evaluated: 2021-07-02. Review status: criteria provided, single submitter. Criteria: GeneDx Variant Classification Process June 2021. Collection method: clinical testing. Allele origin: germline. Affected: yes.

Breakthrough Genomics
Classification: Benign. Review status: criteria provided, single submitter. Criteria: ACMG Guidelines, 2015. Collection method: not provided. Allele origin: germline. Inheritance: Autosomal dominant inheritance. Affected: yes.

PreventionGenetics, part of Exact Sciences
Classification: Benign for CDC42BPB-related condition. Last evaluated: 2019-05-16. Review status: no assertion criteria provided. Collection method: clinical testing. Allele origin: germline. Not counted in ClinVar's aggregate classification.
Comment: This variant is classified as benign based on ACMG/AMP sequence variant interpretation guidelines (Richards et al. 2015 PMID: 25741868, with internal and published modifications).

NM_006035.4(CDC42BPB):c.3449+6C>T

Gene: CDC42BPB (CDC42 binding protein kinase beta; minus strand). Cytogenetic location: 14q32.32.
Variant type: single nucleotide variant.
Coding change: c.3449+6C>T on transcript NM_006035.4 (MANE Select); 6 bases into the intron after coding-DNA position 3449, C replaced by T.
Molecular consequence: intron variant.
Genome position (GRCh38, 1-based): chr14:102,949,759, G>A on the plus strand (C>T on the coding strand, the complement: CDC42BPB is on the minus strand). VCF-style: chr14-102949759-G-A. GRCh37 (hg19) VCF-style: chr14-103416096-G-A.
Other names: c.3449+6C>T (NM_006035.3).
Identifiers: ClinVar variation 1304746 (VCV001304746.5), dbSNP rs12590961, ClinGen allele CA7360747.